The following is an entry in ClinVar:

ClinVar aggregate classification (germline): Uncertain significance (1 of 4 stars; one submission).

Conditions:
Inborn genetic diseases. Identifiers: MedGen C0950123, MeSH D030342.

Submission:

Ambry Genetics
Classification: Uncertain significance for Inborn genetic diseases. Last evaluated: 2022-04-19. Review status: criteria provided, single submitter. Criteria: Ambry Variant Classification Scheme 2023. Collection method: clinical testing. Allele origin: germline.
Comment: The p.E1685K variant (also known as c.5053G>A), located in coding exon 29 of the ATR gene, results from a G to A substitution at nucleotide position 5053. The glutamic acid at codon 1685 is replaced by lysine, an amino acid with similar properties. This amino acid position is conserved. In addition, this alteration is predicted to be deleterious by in silico analysis. Since supporting evidence is limited at this time, the clinical significance of this alteration remains unclear.

NM_001184.4(ATR):c.5053G>A (p.Glu1685Lys)

Gene: ATR (ATR checkpoint kinase; minus strand). Cytogenetic location: 3q23.
Variant type: single nucleotide variant.
Coding change: c.5053G>A on transcript NM_001184.4 (MANE Select); coding-DNA position 5053, G replaced by A.
Protein change: p.Glu1685Lys; replaces glutamic acid 1685 with lysine.
Molecular consequence: missense variant.
Genome position (GRCh38, 1-based): chr3:142,505,282, C>T on the plus strand (G>A on the coding strand, the complement: ATR is on the minus strand). VCF-style: chr3-142505282-C-T. GRCh37 (hg19) VCF-style: chr3-142224124-C-T.
Other names: c.4861G>A, p.Glu1621Lys (NM_001354579.2); short protein forms E1685K, E1621K.
Identifiers: ClinVar variation 1745055 (VCV001745055.3), dbSNP rs2108356093, ClinGen allele CA354820129.
Genomic context (GRCh38, chr3:142,505,282, plus strand): 5'-GTTCTTTTAGAGATGGTTCTGCCTTTCTAATTGCACTGACTCCGGCCACTCCATCAGGTT[C>T]ATGCATAGCAGCATACAATTTCTTTGTTCAATGATTAAAAAACAATCAAAAACAAGAAAA-3'
Protein context (NP_001175.2, residues 1675-1695): FLQKLYAAMH[Glu1685Lys]PDGVAGVSAI